The following is an entry in ClinVar:

NM_000053.4(ATP7B):c.2998G>C (p.Gly1000Arg)

Gene: ATP7B (ATPase copper transporting beta; minus strand). Cytogenetic location: 13q14.3.
Variant type: single nucleotide variant.
Coding change: c.2998G>C on transcript NM_000053.4 (MANE Select); coding-DNA position 2998, G replaced by C.
Protein change: p.Gly1000Arg; replaces glycine 1000 with arginine.
Molecular consequence: missense variant.
Genome position (GRCh38, 1-based): chr13:51,946,346, C>G on the plus strand (G>C on the coding strand, the complement: ATP7B is on the minus strand). VCF-style: chr13-51946346-C-G. GRCh37 (hg19) VCF-style: chr13-52520482-C-G.
Other names: c.2377G>C, p.Gly793Arg (NM_001005918.3); c.2665G>C, p.Gly889Arg (NM_001243182.2); c.2764G>C, p.Gly922Arg (NM_001330578.2); c.2746G>C, p.Gly916Arg (NM_001330579.2); c.2998G>C (NM_000053.3); short protein forms G1000R, G889R, G922R, G793R, G916R.
Identifiers: ClinVar variation 1448460 (VCV001448460.10), dbSNP rs751078884, ClinGen allele CA6988840.

ClinVar aggregate classification (germline): Pathogenic/Likely pathogenic. Review status: criteria provided, multiple submitters, no conflicts (2 of 4 stars). 5 submissions from 5 submitters: Pathogenic (4); Likely pathogenic (1). Last evaluated 2025-06-30.

Conditions:
Wilson disease (WND). Also called: Wilson's disease. Identifiers: Orphanet 905, MedGen C0019202, MONDO:0010200, OMIM 277900. Disease mechanism: loss of function.

gnomAD v4.1: 1 of 1,611,160 alleles (0.000062%); highest among the groups gnomAD compares: Non-Finnish European, 0.000085%; no homozygotes.

Submissions (5):

Color Diagnostics, LLC DBA Color Health
Classification: Pathogenic for Wilson disease. Last evaluated: 2025-06-30. Review status: criteria provided, single submitter. Criteria: ACMG Guidelines, 2015. Collection method: clinical testing. Allele origin: germline.
Comment: This missense variant replaces glycine with arginine at codon 1000 of the ATP7B protein. Computational prediction suggests that this variant may have deleterious impact on protein structure and function. A functional study in yeast has shown that the mutant protein exhibited significantly reduced levels of expression and inability to complement ccc2 function under low iron conditions (PMID: 20333758). This variant has been observed in many individuals affected with Wilson disease, including at least eight individuals who were reported to be homozygous or compound heterozygous with a known pathogenic variant in the same gene (PMID: 16088907, 18728530, 23486543, 30120852, 30230192, 30702195, 31059521, 31708252, 33010844, 39113473). This variant has been identified in 1/244084 chromosomes in the general population by the Genome Aggregation Database (gnomAD). Based on the available evidence, this variant is classified as Pathogenic.

Labcorp Genetics (formerly Invitae), Labcorp
Classification: Pathogenic for Wilson disease. Last evaluated: 2025-02-25. Review status: criteria provided, single submitter. Criteria: Invitae Variant Classification Sherloc (09022015). Collection method: clinical testing. Allele origin: germline.
Comment: This sequence change replaces glycine, which is neutral and non-polar, with arginine, which is basic and polar, at codon 1000 of the ATP7B protein (p.Gly1000Arg). This variant is present in population databases (rs751078884, gnomAD 0.003%). This missense change has been observed in individual(s) with Wilson disease (PMID: 30120852, 30230192, 30702195, 31059521). ClinVar contains an entry for this variant (Variation ID: 1448460). Invitae Evidence Modeling of protein sequence and biophysical properties (such as structural, functional, and spatial information, amino acid conservation, physicochemical variation, residue mobility, and thermodynamic stability) indicates that this missense variant is expected to disrupt ATP7B protein function with a positive predictive value of 80%. Experimental studies have shown that this missense change affects ATP7B function (PMID: 20333758). For these reasons, this variant has been classified as Pathogenic.

Natera, Inc.
Classification: Likely pathogenic for Wilson disease. Last evaluated: 2025-01-06. Review status: criteria provided, single submitter. Criteria: Natera Variant Classification Schema (03/2026). Collection method: clinical testing. Allele origin: germline.
Comment: The c.2998G>C variant in ATP7B is a missense variant predicted to cause substitution of glycine to arginine at amino acid 1000. This variant is rare in the general population with a frequency below the threshold expected for the associated phenotype(s). This variant has been observed in one or more individuals affected with the associated recessive disease, as either homozygous or compound heterozygous with a second variant (PMID: 30230192, 30232804). Another variant at this same site results in an alteration predicted to cause a similar molecular effect has been observed in individual(s) with the associated phenotype. Computational prediction algorithms indicate this variant is likely to affect gene or protein function. Given the available evidence, this variant is classified as Likely Pathogenic.

Baylor Genetics
Classification: Pathogenic for Wilson disease. Last evaluated: 2023-11-23. Review status: criteria provided, single submitter. Criteria: ACMG Guidelines, 2015. Collection method: clinical testing. Allele origin: unknown.

All of Us Research Program, National Institutes of Health
Classification: Pathogenic for Wilson disease. Last evaluated: 2023-07-19. Review status: criteria provided, single submitter. Criteria: ACMG Guidelines, 2015. Collection method: clinical testing. Allele origin: germline. Inheritance: Autosomal recessive inheritance. Observed: 1 variant allele, 1 heterozygote.
Comment: This missense variant replaces glycine with arginine at codon 1000 of the ATP7B protein. Computational prediction suggests that this variant may have deleterious impact on protein structure and function (internally defined REVEL score threshold >= 0.7, PMID: 27666373). A functional study in yeast has shown the mutant protein to exhibit significantly reduced levels of expression and inability to complement ccc2 function under low iron conditions (PMID: 20333758). This variant has been observed in over ten individuals affected with Wilson disease, including six individuals who were reported to be homozygous or compound heterozygous with a known pathogenic variant in the same gene (PMID: 16088907, 18728530, 23486543, 30120852, 30230192, 30702195, 31059521, 33010844, 31708252). This variant has been identified in 1/244084 chromosomes in the general population by the Genome Aggregation Database (gnomAD). Based on the available evidence, this variant is classified as Pathogenic.

This study involves interpretation of variants in research participants for the purpose of population health screening. Participant phenotype was not available at the time of variant classification. Additional details can be found in publication PMID: 35346344, PMCID: PMC8962531

Literature cited by the submitters: PubMed 16088907 (cited by Color Diagnostics, LLC DBA Color Health and All of Us Research Program, National Institutes of Health); PubMed 18728530 (cited by Color Diagnostics, LLC DBA Color Health and All of Us Research Program, National Institutes of Health); PubMed 20333758 (cited by 3 submitters); PubMed 23486543 (cited by Color Diagnostics, LLC DBA Color Health and All of Us Research Program, National Institutes of Health); PubMed 30120852 (cited by 3 submitters); PubMed 30230192 (cited by 4 submitters); PubMed 30702195 (cited by 3 submitters); PubMed 31059521 (cited by 3 submitters); PubMed 31708252 (cited by Color Diagnostics, LLC DBA Color Health and All of Us Research Program, National Institutes of Health); PubMed 33010844 (cited by Color Diagnostics, LLC DBA Color Health and All of Us Research Program, National Institutes of Health); PubMed 39113473 (cited by Color Diagnostics, LLC DBA Color Health); PubMed 30232804 (cited by Natera, Inc.).